The following is an entry in ClinVar:

ClinVar aggregate classification (germline): Uncertain significance (1 of 4 stars; one submission).

Submission:

GeneDx
Classification: Uncertain significance. Last evaluated: 2023-11-22. Review status: criteria provided, single submitter. Criteria: GeneDx Variant Classification Process June 2021. Collection method: clinical testing. Allele origin: germline. Affected: yes.
Comment: Not observed at significant frequency in large population cohorts (gnomAD); In silico analysis is inconclusive as to whether the variant alters gene splicing. In the absence of RNA/functional studies, the actual effect of this sequence change is unknown.; Has not been previously published as pathogenic or benign to our knowledge

NM_000051.4(ATM):c.8988-5_8988-4insAAC

Genes: ATM (ATM serine/threonine kinase; plus strand), C11orf65 (chromosome 11 open reading frame 65; minus strand). Cytogenetic location: 11q22.3.
Variant type: Insertion.
Coding change: c.8988-5_8988-4insAAC on transcript NM_000051.4 (MANE Select); 5 bases into the intron before coding-DNA position 8988 through 4 bases into the intron before coding-DNA position 8988, AAC inserted.
Molecular consequence: intron variant.
Genome position: GRCh38 VCF-style: chr11-108365319-C-CCAA. GRCh37 (hg19) VCF-style: chr11-108236046-C-CCAA.
Other names: c.8988-5_8988-4insAAC (NM_001351834.2); c.640+20600_640+20601insGTT (NM_001330368.2); c.694+20600_694+20601insGTT (NM_001351110.2).
Identifiers: ClinVar variation 3364711 (VCV003364711.1).